The following is an entry in ClinVar:

NM_005120.3(MED12):c.4652C>T (p.Thr1551Ile)

Gene: MED12 (mediator complex subunit 12; plus strand). Cytogenetic location: Xq13.1.
Variant type: single nucleotide variant.
Coding change: c.4652C>T on transcript NM_005120.3 (MANE Select); coding-DNA position 4652, C replaced by T.
Protein change: p.Thr1551Ile; replaces threonine 1551 with isoleucine.
Molecular consequence: missense variant.
Genome position (GRCh38, 1-based): chrX:71,134,391, C>T. VCF-style: chrX-71134391-C-T. GRCh37 (hg19) VCF-style: chrX-70354241-C-T.
Other names: c.4652C>T (NM_005120.2); short protein forms T1551I.
Identifiers: ClinVar variation 2838986 (VCV002838986.4), dbSNP rs2092327006, ClinGen allele CA413531440.

ClinVar aggregate classification (germline): Uncertain significance. Review status: criteria provided, multiple submitters, no conflicts (2 of 4 stars). 2 submissions from 2 submitters: Uncertain significance (2). Last evaluated 2024-05-24.

Conditions:
FG syndrome (FGS). Identifiers: MedGen C0220769, MONDO:0002010.
Familial thoracic aortic aneurysm and aortic dissection (TAAD). Also called: Thoracic aortic aneurysms and dissections. Identifiers: Orphanet 91387, MedGen C4707243, MONDO:0019625.

Allele frequency attached by ClinVar (database versions not stated): gnomAD exomes below 0.00001; TOPMed below 0.00001; gnomAD 0.00001.
gnomAD v4.1: 3 of 1,165,322 alleles (0.00026%); highest among the groups gnomAD compares: South Asian, 0.0019%; no homozygotes.

Submissions (2):

Ambry Genetics
Classification: Uncertain significance for Familial thoracic aortic aneurysm and aortic dissection. Last evaluated: 2024-05-24. Review status: criteria provided, single submitter. Criteria: Ambry Variant Classification Scheme 2023. Collection method: clinical testing. Allele origin: germline.
Comment: The p.T1551I variant (also known as c.4652C>T), located in coding exon 34 of the MED12 gene, results from a C to T substitution at nucleotide position 4652. The threonine at codon 1551 is replaced by isoleucine, an amino acid with similar properties. This amino acid position is conserved. In addition, this alteration is predicted to be tolerated by in silico analysis. Based on the available evidence, the clinical significance of this variant remains unclear.

Labcorp Genetics (formerly Invitae), Labcorp
Classification: Uncertain significance for FG syndrome. Last evaluated: 2023-02-19. Review status: criteria provided, single submitter. Criteria: Invitae Variant Classification Sherloc (09022015). Collection method: clinical testing. Allele origin: germline.
Comment: This sequence change replaces threonine, which is neutral and polar, with isoleucine, which is neutral and non-polar, at codon 1551 of the MED12 protein (p.Thr1551Ile). In summary, the available evidence is currently insufficient to determine the role of this variant in disease. Therefore, it has been classified as a Variant of Uncertain Significance. Advanced modeling of protein sequence and biophysical properties (such as structural, functional, and spatial information, amino acid conservation, physicochemical variation, residue mobility, and thermodynamic stability) has been performed at Invitae for this missense variant, however the output from this modeling did not meet the statistical confidence thresholds required to predict the impact of this variant on MED12 protein function. This variant has not been reported in the literature in individuals affected with MED12-related conditions. This variant is not present in population databases (gnomAD no frequency).